The following is an entry in ClinVar:

NM_002439.5(MSH3):c.785A>T (p.Asp262Val)

Gene: MSH3 (mutS homolog 3; plus strand). Cytogenetic location: 5q14.1.
Variant type: single nucleotide variant.
Coding change: c.785A>T on transcript NM_002439.5 (MANE Select); coding-DNA position 785, A replaced by T.
Protein change: p.Asp262Val; replaces aspartic acid 262 with valine.
Molecular consequence: missense variant.
Genome position (GRCh38, 1-based): chr5:80,670,302, A>T. VCF-style: chr5-80670302-A-T. GRCh37 (hg19) VCF-style: chr5-79966121-A-T.
Other names: c.785A>T (NM_002439.3); short protein forms D262V.
Identifiers: ClinVar variation 3730716 (VCV003730716.3).

ClinVar aggregate classification (germline): Uncertain significance. Review status: criteria provided, multiple submitters, no conflicts (2 of 4 stars). 2 submissions from 2 submitters: Uncertain significance (2). Last evaluated 2026-07-05.

Conditions:
Hereditary cancer-predisposing syndrome. Also called: Tumor predisposition; Hereditary neoplastic syndrome; Hereditary Cancer Syndrome; Neoplastic Syndromes, Hereditary. Identifiers: Orphanet 140162, MedGen C0027672, MeSH D009386, MONDO:0015356.

Submissions (2):

Ambry Genetics
Classification: Uncertain significance for Hereditary cancer-predisposing syndrome. Last evaluated: 2026-07-05. Review status: criteria provided, single submitter. Criteria: Ambry Variant Classification Scheme 2023. Collection method: clinical testing. Allele origin: germline.
Comment: The p.D262V variant (also known as c.785A>T), located in coding exon 4 of the MSH3 gene, results from an A to T substitution at nucleotide position 785. The aspartic acid at codon 262 is replaced by valine, an amino acid with highly dissimilar properties. This amino acid position is conserved. In addition, this alteration is predicted to be deleterious by in silico analysis. Based on the available evidence, the clinical significance of this variant remains unclear.

Labcorp Genetics (formerly Invitae), Labcorp
Classification: Uncertain significance. Last evaluated: 2024-04-30. Review status: criteria provided, single submitter. Criteria: Invitae Variant Classification Sherloc (09022015). Collection method: clinical testing. Allele origin: germline.
Comment: This sequence change replaces aspartic acid, which is acidic and polar, with valine, which is neutral and non-polar, at codon 262 of the MSH3 protein (p.Asp262Val). This variant is not present in population databases (gnomAD no frequency). This variant has not been reported in the literature in individuals affected with MSH3-related conditions. An algorithm developed to predict the effect of missense changes on protein structure and function (PolyPhen-2) suggests that this variant is likely to be disruptive. In summary, the available evidence is currently insufficient to determine the role of this variant in disease. Therefore, it has been classified as a Variant of Uncertain Significance.